The following is an entry in ClinVar:

ClinVar aggregate classification (germline): Uncertain significance. Review status: criteria provided, multiple submitters, no conflicts (2 of 4 stars). 2 submissions from 2 submitters: Uncertain significance (2). Last evaluated 2024-08-06.

Conditions:
Epilepsy, familial focal, with variable foci 1 (FFEVF1). Also called: DEPDC5-Related Epilepsy. Identifiers: MedGen C4551983, MONDO:0024556, OMIM 604364.
Familial focal epilepsy with variable foci (FPEVF). Identifiers: Orphanet 98820, MedGen C1858477, MONDO:0020310.

Allele frequency attached by ClinVar (database versions not stated): gnomAD exomes below 0.00001 and 0.00001; ExAC 0.00001.
gnomAD v4.1: 15 of 1,595,680 alleles (0.00094%); highest among the groups gnomAD compares: South Asian, 0.016%; 1 homozygote.

Submissions (2):

Labcorp Genetics (formerly Invitae), Labcorp
Classification: Uncertain significance for Familial focal epilepsy with variable foci. Last evaluated: 2024-08-06. Review status: criteria provided, single submitter. Criteria: Invitae Variant Classification Sherloc (09022015). Collection method: clinical testing. Allele origin: germline.
Comment: This sequence change falls in intron 15 of the DEPDC5 gene. It does not directly change the encoded amino acid sequence of the DEPDC5 protein. It affects a nucleotide within the consensus splice site. This variant is present in population databases (rs757563918, gnomAD 0.004%). This variant has not been reported in the literature in individuals affected with DEPDC5-related conditions. ClinVar contains an entry for this variant (Variation ID: 1342447). Variants that disrupt the consensus splice site are a relatively common cause of aberrant splicing (PMID: 17576681, 9536098). Algorithms developed to predict the effect of sequence changes on RNA splicing suggest that this variant may create or strengthen a splice site. In summary, the available evidence is currently insufficient to determine the role of this variant in disease. Therefore, it has been classified as a Variant of Uncertain Significance.

New York Genome Center
Classification: Uncertain significance for Epilepsy, familial focal, with variable foci 1. Last evaluated: 2021-03-02. Review status: criteria provided, single submitter. Criteria: NYGC Assertion Criteria 2020. Collection method: clinical testing. Allele origin: germline. Observed: 1 heterozygote. Study: CSER-NYCKidSeq.
Comment: The c.1081+4A>G splice region variant in intron 15 of 42 of DEPDC5 has not been reported in affected individuals in the available literature. This variant is absent in gnomAD v3 and seen at a very low frequency in gnomaAD v2 (1 heterozygote, allele frequency = 0.000004300) indicating it is not a common benign variant in the populations represented in these databases. In silico predictors suggest this variant might affect splicing (TraP score: 0.893; Splice AI score: Donor Gain 0.38). Given the lack of inheritance data and functional studies supporting its pathogenicity, the c.1081+4A>G variant identified in the DEPDC5 gene is reported as a Variant of Uncertain Significance.

Literature cited by the submitters: PubMed 17576681 (cited by Labcorp Genetics (formerly Invitae), Labcorp); PubMed 9536098 (cited by Labcorp Genetics (formerly Invitae), Labcorp).

NM_001242896.3(DEPDC5):c.1081+4A>G

Gene: DEPDC5 (DEP domain containing 5, GATOR1 subcomplex subunit; plus strand). Cytogenetic location: 22q12.3.
Variant type: single nucleotide variant.
Coding change: c.1081+4A>G on transcript NM_001242896.3 (MANE Select); 4 bases into the intron after coding-DNA position 1081, A replaced by G.
Molecular consequence: intron variant.
Genome position (GRCh38, 1-based): chr22:31,802,842, A>G. VCF-style: chr22-31802842-A-G. GRCh37 (hg19) VCF-style: chr22-32198828-A-G.
Other names: c.1081+4A>G (NM_001364318.2, NM_001136029.4, NM_014662.6 and 7 more transcripts); c.997+4A>G (NM_001369902.1, NM_001369901.1).
Identifiers: ClinVar variation 1342447 (VCV001342447.4), dbSNP rs757563918, ClinGen allele CA10196210.